The following is an entry in ClinVar:

ClinVar aggregate classification (germline): Uncertain significance (1 of 4 stars; one submission).

Conditions:
Nemaline myopathy 2 (NEM2). Also called: Nemaline myopathy 2, autosomal recessive. Identifiers: MedGen C1850569, MONDO:0009725, OMIM 256030.

Allele frequency attached by ClinVar (database versions not stated): gnomAD exomes below 0.00001; ExAC 0.00001.
gnomAD v4.1: 1 of 1,614,070 alleles (0.000062%); highest among the groups gnomAD compares: Non-Finnish European, 0.000085%; no homozygotes.

Submission:

Labcorp Genetics (formerly Invitae), Labcorp
Classification: Uncertain significance for Nemaline myopathy 2. Last evaluated: 2021-09-17. Review status: criteria provided, single submitter. Criteria: Invitae Variant Classification Sherloc (09022015). Collection method: clinical testing. Allele origin: germline.
Comment: This sequence change replaces isoleucine with valine at codon 861 of the NEB protein (p.Ile861Val). The isoleucine residue is moderately conserved and there is a small physicochemical difference between isoleucine and valine. This variant is present in population databases (rs755695934, ExAC 0.001%). This variant has not been reported in the literature in individuals affected with NEB-related conditions. Algorithms developed to predict the effect of missense changes on protein structure and function output the following: SIFT: "Deleterious"; PolyPhen-2: "Not Available"; Align-GVGD: "Class C0". The valine amino acid residue is found in multiple mammalian species, which suggests that this missense change does not adversely affect protein function. In summary, the available evidence is currently insufficient to determine the role of this variant in disease. Therefore, it has been classified as a Variant of Uncertain Significance.

NM_001164508.2(NEB):c.2581A>G (p.Ile861Val)

Gene: NEB (nebulin; minus strand). Cytogenetic location: 2q23.3.
Variant type: single nucleotide variant.
Coding change: c.2581A>G on transcript NM_001164508.2 (MANE Select); coding-DNA position 2581, A replaced by G.
Protein change: p.Ile861Val; replaces isoleucine 861 with valine.
Molecular consequence: missense variant.
Genome position (GRCh38, 1-based): chr2:151,687,475, T>C on the plus strand (A>G on the coding strand, the complement: NEB is on the minus strand). VCF-style: chr2-151687475-T-C. GRCh37 (hg19) VCF-style: chr2-152543989-T-C.
Other names: c.2581A>G, p.Ile861Val (NM_001164507.2, NM_001271208.2, NM_004543.5); short protein forms I861V.
Identifiers: ClinVar variation 1346540 (VCV001346540.5), dbSNP rs755695934, ClinGen allele CA1911184.